The following is an entry in ClinVar:

NM_031407.7(HUWE1):c.8218A>G (p.Met2740Val)

Gene: HUWE1 (HECT, UBA and WWE domain containing E3 ubiquitin protein ligase 1; minus strand). Cytogenetic location: Xp11.22.
Variant type: single nucleotide variant.
Coding change: c.8218A>G on transcript NM_031407.7 (MANE Select); coding-DNA position 8218, A replaced by G.
Protein change: p.Met2740Val; replaces methionine 2740 with valine.
Molecular consequence: missense variant.
Genome position (GRCh38, 1-based): chrX:53,554,909, T>C on the plus strand (A>G on the coding strand, the complement: HUWE1 is on the minus strand). VCF-style: chrX-53554909-T-C. GRCh37 (hg19) VCF-style: chrX-53581870-T-C.
Other names: short protein forms M2740V.
Identifiers: ClinVar variation 3680898 (VCV003680898.2).
Genomic context (GRCh38, chrX:53,554,909, plus strand): 5'-CCTTGGACTCAGATGTAGCTGCATCAGTTGAAGATGGGGTTGTTGGGTAGCTGTCAGGCA[T>C]AGGCGTCCCATCTTTCTCGGAAAGAACAATAATAGTGGTTAAGGGGCAACCAGCCAATGA-3'
Protein context (NP_113584.3, residues 2730-2750): TEQNLSDGTP[Met2740Val]PDSYPTTPSS

ClinVar aggregate classification (germline): Uncertain significance (1 of 4 stars; one submission).

gnomAD v4.1: 1 of 1,171,464 alleles (0.000085%); highest among the groups gnomAD compares: Non-Finnish European, 0.00011%; no homozygotes.

Submission:

Labcorp Genetics (formerly Invitae), Labcorp
Classification: Uncertain significance. Last evaluated: 2024-03-25. Review status: criteria provided, single submitter. Criteria: Invitae Variant Classification Sherloc (09022015). Collection method: clinical testing. Allele origin: germline.
Comment: This sequence change replaces methionine, which is neutral and non-polar, with valine, which is neutral and non-polar, at codon 2740 of the HUWE1 protein (p.Met2740Val). The frequency data for this variant in the population databases is considered unreliable, as metrics indicate poor data quality at this position in the gnomAD database. This variant has not been reported in the literature in individuals affected with HUWE1-related conditions. Advanced modeling of protein sequence and biophysical properties (such as structural, functional, and spatial information, amino acid conservation, physicochemical variation, residue mobility, and thermodynamic stability) performed at Invitae indicates that this missense variant is not expected to disrupt HUWE1 protein function with a negative predictive value of 95%. In summary, the available evidence is currently insufficient to determine the role of this variant in disease. Therefore, it has been classified as a Variant of Uncertain Significance.